The following is an entry in ClinVar:

ClinVar aggregate classification (germline): Likely benign (0 of 4 stars; one submission).

Conditions:
TDO2-related disorder. Also called: TDO2-related condition.

Allele frequency attached by ClinVar (database versions not stated): gnomAD exomes 0.00001; TOPMed 0.00001; ExAC 0.00002; gnomAD 0.00002.
gnomAD v4.1: 19 of 1,612,796 alleles (0.0012%); highest among the groups gnomAD compares: Admixed American, 0.012%; no homozygotes.

Submission:

PreventionGenetics, part of Exact Sciences
Classification: Likely benign for TDO2-related condition. Last evaluated: 2019-09-17. Review status: no assertion criteria provided. Collection method: clinical testing. Allele origin: germline.
Comment: This variant is classified as likely benign based on ACMG/AMP sequence variant interpretation guidelines (Richards et al. 2015 PMID: 25741868, with internal and published modifications).

NM_005651.4(TDO2):c.1206T>C (p.Ser402=)

Gene: TDO2 (tryptophan 2,3-dioxygenase; plus strand). Cytogenetic location: 4q32.1.
Variant type: single nucleotide variant.
Coding change: c.1206T>C on transcript NM_005651.4 (MANE Select); coding-DNA position 1206, T replaced by C.
Protein change: p.Ser402=; no amino-acid change (serine 402 retained).
Molecular consequence: synonymous variant.
Genome position (GRCh38, 1-based): chr4:155,919,975, T>C. VCF-style: chr4-155919975-T-C. GRCh37 (hg19) VCF-style: chr4-156841127-T-C.
Identifiers: ClinVar variation 3039864 (VCV003039864.2), dbSNP rs763263639, ClinGen allele CA3119021.